The following is an entry in ClinVar:

NM_002334.4(LRP4):c.5198G>A (p.Ser1733Asn)

Genes: LRP4 (LDL receptor related protein 4; minus strand), LRP4-AS1 (LRP4 antisense RNA 1; plus strand). Cytogenetic location: 11p11.2.
Variant type: single nucleotide variant.
Coding change: c.5198G>A on transcript NM_002334.4 (MANE Select); coding-DNA position 5198, G replaced by A.
Protein change: p.Ser1733Asn; replaces serine 1733 with asparagine.
Molecular consequence: missense variant.
Genome position (GRCh38, 1-based): chr11:46,864,493, C>T on the plus strand (G>A on the coding strand, the complement: LRP4 is on the minus strand). VCF-style: chr11-46864493-C-T. GRCh37 (hg19) VCF-style: chr11-46886044-C-T.
Other names: short protein forms S1733N.
Identifiers: ClinVar variation 1362459 (VCV001362459.8), dbSNP rs2134765445, ClinGen allele CA380286126.

ClinVar aggregate classification (germline): Uncertain significance. Review status: criteria provided, multiple submitters, no conflicts (2 of 4 stars). 2 submissions from 2 submitters: Uncertain significance (2). Last evaluated 2025-06-20.

Conditions:
Sclerosteosis 2 (SOST2). Identifiers: Orphanet 3152, MedGen C3280402, MONDO:0013679, OMIM 614305.
Cenani-Lenz syndactyly syndrome. Also called: CENANI SYNDACTYLISM; SYNDACTYLY, TYPE VII. Identifiers: Orphanet 3258, MedGen C1859309, MONDO:0008931, OMIM 212780.
Congenital myasthenic syndrome 17. Identifiers: Orphanet 590, MedGen C4225377, MONDO:0014578, OMIM 616304.

Submissions (2):

Labcorp Genetics (formerly Invitae), Labcorp
Classification: Uncertain significance for Cenani-Lenz syndactyly syndrome; Sclerosteosis 2; Congenital myasthenic syndrome 17. Last evaluated: 2025-06-20. Review status: criteria provided, single submitter. Criteria: Invitae Variant Classification Sherloc (09022015). Collection method: clinical testing. Allele origin: germline.
Comment: This sequence change replaces serine, which is neutral and polar, with asparagine, which is neutral and polar, at codon 1733 of the LRP4 protein (p.Ser1733Asn). This variant is not present in population databases (gnomAD no frequency). This variant has not been reported in the literature in individuals affected with LRP4-related conditions. ClinVar contains an entry for this variant (Variation ID: 1362459). Invitae Evidence Modeling of protein sequence and biophysical properties (such as structural, functional, and spatial information, amino acid conservation, physicochemical variation, residue mobility, and thermodynamic stability) indicates that this missense variant is not expected to disrupt LRP4 protein function with a negative predictive value of 80%. In summary, the available evidence is currently insufficient to determine the role of this variant in disease. Therefore, it has been classified as a Variant of Uncertain Significance.

Dasa
Classification: Uncertain significance. Last evaluated: 2024-12-26. Review status: criteria provided, single submitter. Criteria: DASA Assertion Criteria. Collection method: clinical testing. Allele origin: germline.
Comment: NM_002334.4(LRP4):c.5198G>A (p.Ser1733Asn) is a missense variant that results in the substitution of serine with asparagine. This variant is absent from population databases. Computational prediction algorithms are consistent with a benign effect. The currently available literature and clinical evidence are not sufficient to establish a definitive association between this variant and the reported condition. Therefore, this variant is classified as a variant of uncertain significance.